The following is an entry in ClinVar:

ClinVar aggregate classification (germline): Pathogenic/Likely pathogenic. Review status: criteria provided, multiple submitters, no conflicts (2 of 4 stars). 8 submissions from 8 submitters: Pathogenic (7); Likely pathogenic (1). Last evaluated 2025-03-10.

Conditions:
Lethal multiple pterygium syndrome (LMPS). Identifiers: Orphanet 33108, MedGen C1854678, MONDO:0009668, OMIM 253290.
Autosomal recessive multiple pterygium syndrome. Also called: MULTIPLE PTERYGIUM SYNDROME, ESCOBAR VARIANT; PTERYGIUM COLLI SYNDROME; PTERYGIUM SYNDROME; PTERYGIUM UNIVERSALE. Identifiers: Orphanet 2990, MedGen C0265261, MONDO:0009926, OMIM 265000.
CHRNG-related disorder. Also called: CHRNG-related condition; CHRNG-related disorders.
Arthrogryposis-like hand anomaly. Identifiers: MedGen C4025173, HP:0005612.
Ankle flexion contracture. Identifiers: MedGen C1837407, HP:0006466.
Scoliosis. Identifiers: MedGen C0036439, MONDO:0005392, HP:0002650.

Allele frequency attached by ClinVar (database versions not stated): TOPMed 0.00002; 1000 Genomes Project 30x 0.00016.

Submissions (8):

PreventionGenetics, part of Exact Sciences
Classification: Pathogenic for CHRNG-related condition. Last evaluated: 2025-03-10. Review status: criteria provided, single submitter. Criteria: ACMG Guidelines, 2015. Collection method: clinical testing. Allele origin: germline.
Comment: The CHRNG c.202C>T variant is predicted to result in premature protein termination (p.Arg68*). This variant has been reported in the compound heterozygous state in individuals with multiple pterygium syndrome or skeletal dysplasia (Vogt et al. 2012. PubMed ID: 22167768; Liu et al. 2019. PubMed ID: 31299979; Guo et al. 2019. PubMed ID: 31680349; Dahan-Oliel et al. 2021. PubMed ID: 34440395). This variant is reported in 0.0054% of alleles in individuals of East Asian descent in gnomAD. Nonsense variants in CHRNG are expected to be pathogenic. This variant is interpreted as pathogenic.

3billion
Classification: Pathogenic for Autosomal recessive multiple pterygium syndrome. Last evaluated: 2024-06-20. Review status: criteria provided, single submitter. Criteria: ACMG Guidelines, 2015. Collection method: clinical testing. Allele origin: germline. Affected: yes.
Comment: The variant is observed at an extremely low frequency in the gnomAD v4.0.0 dataset (total allele frequency: 0.003%). Predicted Consequence/Location: Stop-gained (nonsense): predicted to result in a loss or disruption of normal protein function through nonsense-mediated decay (NMD) or protein truncation. Multiple pathogenic variants are reported downstream of the variant. The variant has been reported at least twice as pathogenic without evidence for the classification (ClinVar ID: VCV000548021 /PMID: 22167768 /3billion dataset). Therefore, this variant is classified as Pathogenic according to the recommendation of ACMG/AMP guideline.

Genomic Medicine Center of Excellence, King Faisal Specialist Hospital and Research Centre
Classification: Pathogenic for Autosomal recessive multiple pterygium syndrome. Last evaluated: 2024-04-04. Review status: criteria provided, single submitter. Criteria: ACMG Guidelines, 2015. Collection method: clinical testing. Allele origin: germline.

Labcorp Genetics (formerly Invitae), Labcorp
Classification: Pathogenic. Last evaluated: 2024-01-18. Review status: criteria provided, single submitter. Criteria: Invitae Variant Classification Sherloc (09022015). Collection method: clinical testing. Allele origin: germline.
Comment: This sequence change creates a premature translational stop signal (p.Arg68*) in the CHRNG gene. It is expected to result in an absent or disrupted protein product. Loss-of-function variants in CHRNG are known to be pathogenic (PMID: 16826520). This variant is present in population databases (rs764266722, gnomAD 0.004%). This premature translational stop signal has been observed in individual(s) with multiple pteygium syndrome (PMID: 22167768). ClinVar contains an entry for this variant (Variation ID: 548021). Algorithms developed to predict the effect of sequence changes on RNA splicing suggest that this variant may disrupt the consensus splice site. For these reasons, this variant has been classified as Pathogenic.

Fulgent Genetics
Classification: Pathogenic for Lethal multiple pterygium syndrome; Autosomal recessive multiple pterygium syndrome. Last evaluated: 2023-12-20. Review status: criteria provided, single submitter. Criteria: ACMG Guidelines, 2015. Collection method: clinical testing. Allele origin: germline.

Breakthrough Genomics
Classification: Pathogenic for Lethal multiple pterygium syndrome. Last evaluated: 2019-12-31. Review status: criteria provided, single submitter. Criteria: ACMG Guidelines, 2015. Collection method: clinical testing. Allele origin: germline. Affected: yes.
Comment: This variant has not been previously reported in the literature. However, other truncating variants such as: W139X, R448X, Q18X and R46X have been detected in families with Escobar syndrome/ multiple pterygium syndrome [PMID: 16826520, 16826531].

Center for Reproductive Medicine, Peking University Third Hospital
Classification: Likely pathogenic for Ankle flexion contracture; Arthrogryposis-like hand anomaly; Scoliosis. Last evaluated: 2019-10-16. Review status: criteria provided, single submitter. Criteria: ACMG Guidelines, 2015. Collection method: clinical testing. Allele origin: germline. Affected: yes.

Mayo Clinic Laboratories, Mayo Clinic
Classification: Pathogenic for Autosomal recessive multiple pterygium syndrome; Lethal multiple pterygium syndrome. Last evaluated: 2018-01-12. Review status: criteria provided, single submitter. Criteria: ACMG Guidelines, 2015. Collection method: clinical testing. Allele origin: paternal.

Literature cited by the submitters: PubMed 22167768 (cited by 3 submitters); PubMed 16826520 (cited by Labcorp Genetics (formerly Invitae), Labcorp); PubMed 31680349 (cited by Center for Reproductive Medicine, Peking University Third Hospital).

NM_005199.5(CHRNG):c.202C>T (p.Arg68Ter)

Gene: CHRNG (cholinergic receptor nicotinic gamma subunit; plus strand). Cytogenetic location: 2q37.1.
Variant type: single nucleotide variant.
Coding change: c.202C>T on transcript NM_005199.5 (MANE Select); coding-DNA position 202, C replaced by T.
Protein change: p.Arg68Ter; replaces arginine 68 with a stop codon.
Molecular consequence: nonsense.
Genome position (GRCh38, 1-based): chr2:232,540,387, C>T. VCF-style: chr2-232540387-C-T. GRCh37 (hg19) VCF-style: chr2-233405097-C-T.
Other names: p.Arg68Ter; short protein forms R68*.
Identifiers: ClinVar variation 548021 (VCV000548021.20), dbSNP rs764266722, ClinGen allele CA2168554.